The following is an entry in ClinVar:

NM_005502.4(ABCA1):c.613C>A (p.Gln205Lys)

Gene: ABCA1 (ATP binding cassette subfamily A member 1; minus strand). Cytogenetic location: 9q31.1.
Variant type: single nucleotide variant.
Coding change: c.613C>A on transcript NM_005502.4 (MANE Select); coding-DNA position 613, C replaced by A.
Protein change: p.Gln205Lys; replaces glutamine 205 with lysine.
Molecular consequence: missense variant.
Genome position (GRCh38, 1-based): chr9:104,858,629, G>T on the plus strand (C>A on the coding strand, the complement: ABCA1 is on the minus strand). VCF-style: chr9-104858629-G-T. GRCh37 (hg19) VCF-style: chr9-107620910-G-T.
Other names: c.613C>A (NM_005502.3); short protein forms Q205K.
Identifiers: ClinVar variation 2190379 (VCV002190379.7), dbSNP rs371949943, ClinGen allele CA5169333.

ClinVar aggregate classification (germline): Conflicting classifications of pathogenicity. Review status: criteria provided, conflicting classifications (1 of 4 stars). 3 submissions from 3 submitters: Uncertain significance (2); Benign (1). Last evaluated 2025-10-30.

Conditions:
Cardiovascular phenotype. Identifiers: MedGen CN230736.

Allele frequency attached by ClinVar (database versions not stated): gnomAD 0.00001; gnomAD exomes 0.00008.
gnomAD v4.1: 122 of 1,614,054 alleles (0.0076%); highest among the groups gnomAD compares: South Asian, 0.08%; 2 homozygotes.

Submissions (3):

Ambry Genetics
Classification: Uncertain significance for Cardiovascular phenotype. Last evaluated: 2025-10-30. Review status: criteria provided, single submitter. Criteria: Ambry Variant Classification Scheme 2023. Collection method: clinical testing. Allele origin: germline.

Labcorp Genetics (formerly Invitae), Labcorp
Classification: Benign. Last evaluated: 2025-09-27. Review status: criteria provided, single submitter. Criteria: Invitae Variant Classification Sherloc (09022015). Collection method: clinical testing. Allele origin: germline.

GeneDx
Classification: Uncertain significance. Last evaluated: 2023-04-25. Review status: criteria provided, single submitter. Criteria: GeneDx Variant Classification Process June 2021. Collection method: clinical testing. Allele origin: germline. Affected: yes.
Comment: In silico analysis supports that this missense variant does not alter protein structure/function; Has not been previously published as pathogenic or benign to our knowledge